The following is an entry in ClinVar:

NM_006577.6(B3GNT2):c.1089A>G (p.Lys363=)

Gene: B3GNT2 (UDP-GlcNAc:betaGal beta-1,3-N-acetylglucosaminyltransferase 2; plus strand). Cytogenetic location: 2p15.
Variant type: single nucleotide variant.
Coding change: c.1089A>G on transcript NM_006577.6 (MANE Select); coding-DNA position 1089, A replaced by G.
Protein change: p.Lys363=; no amino-acid change (lysine 363 retained).
Molecular consequence: synonymous variant.
Genome position (GRCh38, 1-based): chr2:62,223,309, A>G. VCF-style: chr2-62223309-A-G. GRCh37 (hg19) VCF-style: chr2-62450444-A-G.
Other names: c.1089A>G, p.Lys363= (NM_001319075.2).
Identifiers: ClinVar variation 4873883 (VCV004873883.2).

ClinVar aggregate classification (germline): Likely benign (1 of 4 stars; one submission).

Submission:

CeGaT Center for Human Genetics Tuebingen
Classification: Likely benign. Last evaluated: 2026-05-01. Review status: criteria provided, single submitter. Criteria: CeGaT Center For Human Genetics Tuebingen Variant Classification Criteria Version 2. Collection method: clinical testing. Allele origin: germline. Affected: yes. Observed: 1 variant allele.
Comment: B3GNT2: PM2:Supporting, BP4, BP7